The following is an entry in ClinVar:

ClinVar aggregate classification (germline): Uncertain significance. Review status: criteria provided, multiple submitters, no conflicts (2 of 4 stars). 2 submissions from 2 submitters: Uncertain significance (2). Last evaluated 2024-09-06.

Allele frequency attached by ClinVar (database versions not stated): ExAC 0.00001; gnomAD 0.00004; ESP Exome Variant Server 0.00008.
gnomAD v4.1: 29 of 1,610,288 alleles (0.0018%); highest among the groups gnomAD compares: Middle Eastern, 0.016%; no homozygotes.

Submissions (2):

Labcorp Genetics (formerly Invitae), Labcorp
Classification: Uncertain significance. Last evaluated: 2024-09-06. Review status: criteria provided, single submitter. Criteria: Invitae Variant Classification Sherloc (09022015). Collection method: clinical testing. Allele origin: germline.
Comment: This sequence change replaces arginine, which is basic and polar, with cysteine, which is neutral and slightly polar, at codon 610 of the A2ML1 protein (p.Arg610Cys). This variant is present in population databases (rs375392265, gnomAD 0.003%). This variant has not been reported in the literature in individuals affected with A2ML1-related conditions. ClinVar contains an entry for this variant (Variation ID: 1780882). An algorithm developed to predict the effect of missense changes on protein structure and function (PolyPhen-2) suggests that this variant¬†is likely to be tolerated. In summary, the available evidence is currently insufficient to determine the role of this variant in disease. Therefore, it has been classified as a Variant of Uncertain Significance.

Ambry Genetics
Classification: Uncertain significance. Last evaluated: 2024-04-20. Review status: criteria provided, single submitter. Criteria: Ambry Variant Classification Scheme 2023. Collection method: clinical testing. Allele origin: germline.

NM_144670.6(A2ML1):c.1828C>T (p.Arg610Cys)

Gene: A2ML1 (alpha-2-macroglobulin like 1; plus strand). Cytogenetic location: 12p13.31.
Variant type: single nucleotide variant.
Coding change: c.1828C>T on transcript NM_144670.6 (MANE Select); coding-DNA position 1828, C replaced by T.
Protein change: p.Arg610Cys; replaces arginine 610 with cysteine.
Molecular consequence: missense variant.
Genome position (GRCh38, 1-based): chr12:8,847,693, C>T. VCF-style: chr12-8847693-C-T. GRCh37 (hg19) VCF-style: chr12-9000289-C-T.
Other names: c.355C>T, p.Arg119Cys (NM_001282424.3); short protein forms R119C, R610C.
Identifiers: ClinVar variation 1780882 (VCV001780882.7), dbSNP rs375392265, ClinGen allele CA6435823.